The following is an entry in ClinVar:

NM_002168.4(IDH2):c.743T>G (p.Met248Arg)

Gene: IDH2 (isocitrate dehydrogenase (NADP(+)) 2; minus strand). Cytogenetic location: 15q26.1.
Variant type: single nucleotide variant.
Coding change: c.743T>G on transcript NM_002168.4 (MANE Select); coding-DNA position 743, T replaced by G.
Protein change: p.Met248Arg; replaces methionine 248 with arginine.
Molecular consequence: missense variant.
Genome position (GRCh38, 1-based): chr15:90,087,511, A>C on the plus strand (T>G on the coding strand, the complement: IDH2 is on the minus strand). VCF-style: chr15-90087511-A-C. GRCh37 (hg19) VCF-style: chr15-90630743-A-C.
Other names: c.587T>G, p.Met196Arg (NM_001289910.1); c.353T>G, p.Met118Arg (NM_001290114.2); short protein forms M118R, M196R, M248R.
Identifiers: ClinVar variation 1191573 (VCV001191573.2), dbSNP rs1418478547, ClinGen allele CA393801704.

ClinVar aggregate classification (germline): Uncertain significance (1 of 4 stars; one submission).

Allele frequency attached by ClinVar (database versions not stated): TOPMed 0.00001.

Submission:

GeneDx
Classification: Uncertain significance. Last evaluated: 2020-01-18. Review status: criteria provided, single submitter. Criteria: GeneDx Variant Classification Process June 2021. Collection method: clinical testing. Allele origin: germline. Affected: yes.
Comment: Not observed in large population cohorts (Lek et al., 2016); In silico analysis, which includes protein predictors and evolutionary conservation, supports a deleterious effect; Has not been previously published as pathogenic or benign to our knowledge